The following is an entry in ClinVar:

NM_001369.3(DNAH5):c.7034G>A (p.Trp2345Ter)

Gene: DNAH5 (dynein axonemal heavy chain 5; minus strand). Cytogenetic location: 5p15.2.
Variant type: single nucleotide variant.
Coding change: c.7034G>A on transcript NM_001369.3 (MANE Select); coding-DNA position 7034, G replaced by A.
Protein change: p.Trp2345Ter; replaces tryptophan 2345 with a stop codon.
Molecular consequence: nonsense.
Genome position (GRCh38, 1-based): chr5:13,814,801, C>T on the plus strand (G>A on the coding strand, the complement: DNAH5 is on the minus strand). VCF-style: chr5-13814801-C-T. GRCh37 (hg19) VCF-style: chr5-13814910-C-T.
Other names: short protein forms W2345*.
Identifiers: ClinVar variation 238985 (VCV000238985.9), dbSNP rs755596256, ClinGen allele CA10582397.

ClinVar aggregate classification (germline): Pathogenic. Review status: criteria provided, multiple submitters, no conflicts (2 of 4 stars). 2 submissions from 2 submitters: Pathogenic (2). Last evaluated 2024-05-14.

Conditions:
Primary ciliary dyskinesia 3. Identifiers: Orphanet 244, MedGen C1837618, MONDO:0012085, OMIM 608644.
Primary ciliary dyskinesia. Also called: Ciliary dyskinesia. Identifiers: Orphanet 244, MedGen C0008780, MONDO:0016575, HP:0012265.

Allele frequency attached by ClinVar (database versions not stated): gnomAD exomes below 0.00001.
gnomAD v4.1: 3 of 1,613,800 alleles (0.00019%); highest among the groups gnomAD compares: Non-Finnish European, 0.00025%; no homozygotes.

Submissions (2):

Myriad Genetics, Inc.
Classification: Pathogenic for Primary ciliary dyskinesia 3. Last evaluated: 2024-05-14. Review status: criteria provided, single submitter. Criteria: Myriad Autosomal Dominant, Autosomal Recessive and X-Linked Classification Criteria (2023). Collection method: clinical testing. Allele origin: unknown.
Comment: NM_001369.2(DNAH5):c.7034G>A(W2345*) is expected to be pathogenic in the context of primary ciliary dyskinesia, DNAH5-related. This variant is predicted to lead to an abnormal or absent protein product due to the creation of a premature termination codon in DNAH5, a gene where loss-of-function variants are known to be pathogenic. Please note: this variant was assessed in the context of healthy population screening.

Labcorp Genetics (formerly Invitae), Labcorp
Classification: Pathogenic for Primary ciliary dyskinesia. Last evaluated: 2023-12-22. Review status: criteria provided, single submitter. Criteria: Invitae Variant Classification Sherloc (09022015). Collection method: clinical testing. Allele origin: germline.
Comment: This sequence change creates a premature translational stop signal (p.Trp2345*) in the DNAH5 gene. It is expected to result in an absent or disrupted protein product. Loss-of-function variants in DNAH5 are known to be pathogenic (PMID: 11788826, 16627867). This variant is not present in population databases (gnomAD no frequency). This variant has not been reported in the literature in individuals affected with DNAH5-related conditions. ClinVar contains an entry for this variant (Variation ID: 238985). For these reasons, this variant has been classified as Pathogenic.

Literature cited by the submitters: PubMed 11788826 (cited by Labcorp Genetics (formerly Invitae), Labcorp); PubMed 16627867 (cited by Labcorp Genetics (formerly Invitae), Labcorp).